The following is an entry in ClinVar:

NM_004329.3(BMPR1A):c.759G>T (p.Trp253Cys)

Gene: BMPR1A (bone morphogenetic protein receptor type 1A; plus strand). Cytogenetic location: 10q23.2.
Variant type: single nucleotide variant.
Coding change: c.759G>T on transcript NM_004329.3 (MANE Select); coding-DNA position 759, G replaced by T.
Protein change: p.Trp253Cys; replaces tryptophan 253 with cysteine.
Molecular consequence: missense variant. On other transcripts: non-coding transcript variant (3).
Genome position (GRCh38, 1-based): chr10:86,917,217, G>T. VCF-style: chr10-86917217-G-T. GRCh37 (hg19) VCF-style: chr10-88676974-G-T.
Other names: c.759G>T, p.Trp253Cys (NM_001406582.1, NM_001406561.1, NM_001406562.1 and 19 more transcripts); c.753G>T, p.Trp251Cys (NM_001406583.1); c.675G>T, p.Trp225Cys (NM_001406584.1, NM_001406585.1, NM_001406586.1 and 2 more transcripts); c.834G>T, p.Trp278Cys (NM_001406559.1); c.807G>T, p.Trp269Cys (NM_001406560.1); c.417G>T, p.Trp139Cys (NM_001406589.1); short protein forms W139C, W269C, W225C, W278C, W251C, W253C.
Identifiers: ClinVar variation 5032977 (VCV005032977.1).

ClinVar aggregate classification (germline): Uncertain significance (1 of 4 stars; one submission).

Conditions:
Hereditary cancer-predisposing syndrome. Also called: Neoplastic Syndromes, Hereditary; Tumor predisposition; Hereditary neoplastic syndrome; Hereditary Cancer Syndrome. Identifiers: Orphanet 140162, MedGen C0027672, MeSH D009386, MONDO:0015356.

Submission:

Ambry Genetics
Classification: Uncertain significance for Hereditary cancer-predisposing syndrome. Last evaluated: 2026-07-06. Review status: criteria provided, single submitter. Criteria: Ambry Variant Classification Scheme 2023. Collection method: clinical testing. Allele origin: germline.
Comment: The p.W253C variant (also known as c.759G>T), located in coding exon 7 of the BMPR1A gene, results from a G to T substitution at nucleotide position 759. The tryptophan at codon 253 is replaced by cysteine, an amino acid with highly dissimilar properties. This amino acid position is conserved. In addition, this alteration is predicted to be deleterious by in silico analysis. Based on the available evidence, the clinical significance of this variant remains unclear.